The following is an entry in ClinVar:

NM_021961.6(TEAD1):c.599C>T (p.Ala200Val)

Gene: TEAD1 (TEA domain transcription factor 1; plus strand). Cytogenetic location: 11p15.3.
Variant type: single nucleotide variant.
Coding change: c.599C>T on transcript NM_021961.6 (MANE Select); coding-DNA position 599, C replaced by T.
Protein change: p.Ala200Val; replaces alanine 200 with valine.
Molecular consequence: missense variant.
Genome position (GRCh38, 1-based): chr11:12,883,025, C>T. VCF-style: chr11-12883025-C-T. GRCh37 (hg19) VCF-style: chr11-12904572-C-T.
Other names: short protein forms A200V.
Identifiers: ClinVar variation 858576 (VCV000858576.8), dbSNP rs747375513, ClinGen allele CA5891688.
Genomic context (GRCh38, chr11:12,883,025, plus strand): 5'-AGTGACCAGCATCAAAGGTGACGATTGCTCTTTCAGGGTTTGAGCCTGCATCGGCCCCAG[C>T]TCCCTCAGTCCCTGCCTGGCAAGGTCGCTCCATTGGCACAACCAAGCTTCGCCTGGTGGA-3'
Protein context (NP_068780.2, residues 190-210): IPGFEPASAP[Ala200Val]PSVPAWQGRS

ClinVar aggregate classification (germline): Uncertain significance. Review status: criteria provided, multiple submitters, no conflicts (2 of 4 stars). 2 submissions from 2 submitters: Uncertain significance (2). Last evaluated 2026-01-26.

Allele frequency attached by ClinVar (database versions not stated): ExAC 0.00001; gnomAD exomes 0.00001 and 0.00002; gnomAD 0.00011 and 0.00012; TOPMed 0.00028.
gnomAD v4.1: 29 of 1,614,086 alleles (0.0018%); highest among the groups gnomAD compares: Admixed American, 0.045%; no homozygotes.

Submissions (2):

Labcorp Genetics (formerly Invitae), Labcorp
Classification: Uncertain significance. Last evaluated: 2026-01-26. Review status: criteria provided, single submitter. Criteria: Invitae Variant Classification Sherloc (09022015). Collection method: clinical testing. Allele origin: germline.
Comment: This sequence change replaces alanine, which is neutral and non-polar, with valine, which is neutral and non-polar, at codon 200 of the TEAD1 protein (p.Ala200Val). This variant is present in population databases (rs747375513, gnomAD 0.003%). This variant has not been reported in the literature in individuals affected with TEAD1-related conditions. ClinVar contains an entry for this variant (Variation ID: 858576). Invitae Evidence Modeling of protein sequence and biophysical properties (such as structural, functional, and spatial information, amino acid conservation, physicochemical variation, residue mobility, and thermodynamic stability) indicates that this missense variant is not expected to disrupt TEAD1 protein function with a negative predictive value of 80%. In summary, the available evidence is currently insufficient to determine the role of this variant in disease. Therefore, it has been classified as a Variant of Uncertain Significance.

Blueprint Genetics
Classification: Uncertain significance. Last evaluated: 2021-10-11. Review status: criteria provided, single submitter. Criteria: ACMG Guidelines, 2015. Collection method: clinical testing. Allele origin: germline.